The following is an entry in ClinVar:

ClinVar aggregate classification (germline): Pathogenic (1 of 4 stars; one submission).

Submission:

Labcorp Genetics (formerly Invitae), Labcorp
Classification: Pathogenic. Last evaluated: 2022-10-19. Review status: criteria provided, single submitter. Criteria: Invitae Variant Classification Sherloc (09022015). Collection method: clinical testing. Allele origin: germline.
Comment: This sequence change creates a premature translational stop signal (p.Gly171Aspfs*12) in the CLCN7 gene. It is expected to result in an absent or disrupted protein product. Loss-of-function variants in CLCN7 are known to be pathogenic (PMID: 14584882, 19953639). This variant is not present in population databases (gnomAD no frequency). This variant has not been reported in the literature in individuals affected with CLCN7-related conditions. Algorithms developed to predict the effect of sequence changes on RNA splicing suggest that this variant may disrupt the consensus splice site. For these reasons, this variant has been classified as Pathogenic.

Literature cited by the submitters: PubMed 14584882; PubMed 19953639.

NM_001287.6(CLCN7):c.512del (p.Gly171fs)

Gene: CLCN7 (chloride voltage-gated channel 7; minus strand). Cytogenetic location: 16p13.3.
Variant type: Deletion.
Coding change: c.512del on transcript NM_001287.6 (MANE Select); coding-DNA position 512, one base deleted (G; older notation c.512delG).
Protein change: p.Gly171fs; shifts the reading frame from glycine 171.
Molecular consequence: frameshift variant.
Genome position (GRCh38, 1-based): chr16:1,460,500, C deleted on the plus strand (G on the coding strand, the reverse complement: CLCN7 is on the minus strand); the first of 2 consecutive C bases (chr16:1,460,500-1,460,501); deleting either gives the same sequence. VCF-style (leftmost placement, unchanged base first): chr16-1460499-TC-T. GRCh37 (hg19) VCF-style: chr16-1510500-TC-T.
Other names: c.440del, p.Gly147fs (NM_001114331.3); short protein forms G147fs, G171fs.
Identifiers: ClinVar variation 2036195 (VCV002036195.4), dbSNP rs2505844147, ClinGen allele CA2580090455.
Genomic context (GRCh38, chr16:1,460,499, plus strand): 5'-AGAGCCCACGAGCACGAAGGCGGCGTTCAGCGTGGCCCACAGCAACAGGGAGAAGGACAG[TC>T]CGCCCTTCTCTGTGAACTTGTCGATATCTGGGGCTCATCAAGGAGGGCTGGCTGCTTCCC-3'